The following is an entry in ClinVar:

NM_003470.3(USP7):c.1704+6C>T

Gene: USP7 (ubiquitin specific peptidase 7; minus strand). Cytogenetic location: 16p13.2.
Variant type: single nucleotide variant.
Coding change: c.1704+6C>T on transcript NM_003470.3 (MANE Select); 6 bases into the intron after coding-DNA position 1704, C replaced by T.
Molecular consequence: intron variant.
Genome position (GRCh38, 1-based): chr16:8,904,429, G>A on the plus strand (C>T on the coding strand, the complement: USP7 is on the minus strand). VCF-style: chr16-8904429-G-A. GRCh37 (hg19) VCF-style: chr16-8998286-G-A.
Other names: c.1530+6C>T (NM_001321858.2); c.1656+6C>T (NM_001286457.2); c.1407+6C>T (NM_001286458.2).
Identifiers: ClinVar variation 2047598 (VCV002047598.4), dbSNP rs755749063, ClinGen allele CA7895321.

ClinVar aggregate classification (germline): Uncertain significance (1 of 4 stars; one submission).

Allele frequency attached by ClinVar (database versions not stated): ExAC 0.00002; gnomAD 0.00001; TOPMed 0.00001.
gnomAD v4.1: 11 of 1,612,970 alleles (0.00068%); highest among the groups gnomAD compares: Admixed American, 0.0067%; no homozygotes.

Submission:

Labcorp Genetics (formerly Invitae), Labcorp
Classification: Uncertain significance. Last evaluated: 2025-10-01. Review status: criteria provided, single submitter. Criteria: Invitae Variant Classification Sherloc (09022015). Collection method: clinical testing. Allele origin: germline.
Comment: This sequence change falls in intron 15 of the USP7 gene. It does not directly change the encoded amino acid sequence of the USP7 protein. It affects a nucleotide within the consensus splice site. This variant is present in population databases (rs755749063, gnomAD 0.007%). This variant has not been reported in the literature in individuals affected with USP7-related conditions. ClinVar contains an entry for this variant (Variation ID: 2047598). Variants that disrupt the consensus splice site are a relatively common cause of aberrant splicing (PMID: 17576681, 9536098). Algorithms developed to predict the effect of sequence changes on RNA splicing suggest that this variant is not likely to affect RNA splicing. In summary, the available evidence is currently insufficient to determine the role of this variant in disease. Therefore, it has been classified as a Variant of Uncertain Significance.

Literature cited by the submitters: PubMed 17576681; PubMed 9536098.